The following is an entry in ClinVar:

NM_000101.4(CYBA):c.58+2T>C

Gene: CYBA (cytochrome b-245 alpha chain; minus strand). Cytogenetic location: 16q24.2.
Variant type: single nucleotide variant.
Coding change: c.58+2T>C on transcript NM_000101.4 (MANE Select); the canonical splice donor site of the intron after coding-DNA position 58, T replaced by C.
Molecular consequence: splice donor variant.
Genome position (GRCh38, 1-based): chr16:88,650,954, A>G on the plus strand (T>C on the coding strand, the complement: CYBA is on the minus strand). VCF-style: chr16-88650954-A-G. GRCh37 (hg19) VCF-style: chr16-88717362-A-G.
Other names: c.58+2T>C (NM_000101.3).
Identifiers: ClinVar variation 2698449 (VCV002698449.4), dbSNP rs2507541256, ClinGen allele CA397067655.
Genomic context (GRCh38, chr16:88,650,954, plus strand): 5'-CGGCTGGGGTCTTGGGACACCCCTCCAGGCTGCAGCCTCCACCGTCCCTGACGTGCACTC[A>G]CTCAGGCCGGACGCCAGCGCCTGTTCGTTGGCCCACATGGCCCACTCGATCTGCCCCATG-3'

ClinVar aggregate classification (germline): Pathogenic/Likely pathogenic. Review status: criteria provided, multiple submitters, no conflicts (2 of 4 stars). 2 submissions from 2 submitters: Pathogenic (1); Likely pathogenic (1). Last evaluated 2025-11-13.

Conditions:
Chronic granulomatous disease. Identifiers: Orphanet 379, MedGen C0018203, MONDO:0018305.
Granulomatous disease, chronic, autosomal recessive, cytochrome b-negative. Also called: CGD DUE TO DEFICIENCY OF THE ALPHA SUBUNIT OF CYTOCHROME b; CGD, AUTOSOMAL RECESSIVE CYTOCHROME b-NEGATIVE; CYBA DEFICIENCY; GRANULOMATOUS DISEASE, CHRONIC, AUTOSOMAL RECESSIVE, 4; Chronic granulomatous disease, autosomal, due to deficiency of CYBA. Identifiers: Orphanet 379, MedGen C1856255, MONDO:0009308, OMIM 233690.

Submissions (2):

Natera, Inc.
Classification: Pathogenic for Chronic granulomatous disease. Last evaluated: 2025-11-13. Review status: criteria provided, single submitter. Criteria: Natera Variant Classification Schema (03/2026). Collection method: clinical testing. Allele origin: germline.
Comment: The c.58+2T>C variant in CYBA is a canonical splice donor site variant predicted to affect pre-mRNA splicing, which may result in an abnormal transcript and altered protein product. This variant is expected to result in nonsense mediated decay, truncation, or a dysfunctional protein product. This variant is rare in the general population with a frequency below the threshold expected for the associated phenotype(s). Another variant at this same site results in an alteration predicted to cause a similar molecular effect has been observed in individual(s) with the associated phenotype. Given the available evidence, this variant is classified as Pathogenic.

Labcorp Genetics (formerly Invitae), Labcorp
Classification: Likely pathogenic for Granulomatous disease, chronic, autosomal recessive, cytochrome b-negative. Last evaluated: 2023-11-24. Review status: criteria provided, single submitter. Criteria: Invitae Variant Classification Sherloc (09022015). Collection method: clinical testing. Allele origin: germline.
Comment: This sequence change affects a donor splice site in intron 1 of the CYBA gene. It is expected to disrupt RNA splicing. Variants that disrupt the donor or acceptor splice site typically lead to a loss of protein function (PMID: 16199547), and loss-of-function variants in CYBA are known to be pathogenic (PMID: 10910929, 20167518, 22876374). This variant is not present in population databases (gnomAD no frequency). This variant has not been reported in the literature in individuals affected with CYBA-related conditions. Algorithms developed to predict the effect of sequence changes on RNA splicing suggest that this variant may disrupt the consensus splice site. In summary, the currently available evidence indicates that the variant is pathogenic, but additional data are needed to prove that conclusively. Therefore, this variant has been classified as Likely Pathogenic.

Literature cited by the submitters: PubMed 16199547 (cited by Labcorp Genetics (formerly Invitae), Labcorp); PubMed 10910929 (cited by Labcorp Genetics (formerly Invitae), Labcorp); PubMed 20167518 (cited by Labcorp Genetics (formerly Invitae), Labcorp); PubMed 22876374 (cited by Labcorp Genetics (formerly Invitae), Labcorp).